The following is an entry in ClinVar:

NM_000163.5(GHR):c.*1936T>C

Gene: GHR (growth hormone receptor; plus strand). Cytogenetic location: 5p12.
Variant type: single nucleotide variant.
Coding change: c.*1936T>C on transcript NM_000163.5 (MANE Select); 1936 bases downstream of the stop codon, T replaced by C.
Molecular consequence: 3 prime UTR variant.
Genome position (GRCh38, 1-based): chr5:42,721,360, T>C. VCF-style: chr5-42721360-T-C. GRCh37 (hg19) VCF-style: chr5-42721462-T-C.
Other names: c.*1936T>C (NM_001242399.2, NM_001242400.2, NM_001242401.4 and 6 more transcripts); c.*2895T>C (NM_001242462.1).
Identifiers: ClinVar variation 906817 (VCV000906817.4), dbSNP rs144506757, ClinGen allele CA117807111.

ClinVar aggregate classification (germline): Likely benign (1 of 4 stars; one submission).

Conditions:
Laron-type isolated somatotropin defect. Also called: GROWTH HORMONE RECEPTOR DEFICIENCY; Laron Syndrome; Growth hormone binding protein deficiency or dysfunction; Growth hormone receptor deficiency or dysfunction; Laron dwarfism; Laron type pituitary dwarfism I. Identifiers: Orphanet 633, MedGen C0271568, MONDO:0009877, OMIM 262500.

Allele frequency attached by ClinVar (database versions not stated): gnomAD 0.00116 and 0.00128; TOPMed 0.00154; 1000 Genomes Project 30x 0.00156; 1000 Genomes Project 0.00200.

Submission:

Illumina Laboratory Services, Illumina
Classification: Likely benign for Laron-type isolated somatotropin defect. Last evaluated: 2018-01-13. Review status: criteria provided, single submitter. Criteria: ICSL Variant Classification Criteria 13 December 2019. Collection method: clinical testing. Allele origin: germline.
Comment: This variant was observed in the ICSL laboratory as part of a predisposition screen in an ostensibly healthy population. It had not been previously curated by ICSL or reported in the Human Gene Mutation Database (HGMD: prior to June 1st, 2018), and was therefore a candidate for classification through an automated scoring system. Utilizing variant allele frequency, disease prevalence and penetrance estimates, and inheritance mode, an automated score was calculated to assess if this variant is too frequent to cause the disease. Based on the score and internal cut-off values, a variant classified as likely benign is not then subjected to further curation. The score for this variant resulted in a classification of likely benign for this disease.